The following is an entry in ClinVar:

ClinVar aggregate classification (germline): Uncertain significance (1 of 4 stars; one submission).

Submission:

GeneDx
Classification: Uncertain significance. Last evaluated: 2026-03-06. Review status: criteria provided, single submitter. Criteria: GeneDx Variant Classification Process June 2021. Collection method: clinical testing. Allele origin: germline.
Comment: Not observed at significant frequency in large population cohorts (gnomAD); In silico analysis suggests that this variant does not alter protein structure/function; Has not been previously published as pathogenic or benign to our knowledge; In silico analysis suggests this variant may impact gene splicing. In the absence of RNA/functional studies, the actual effect of this sequence change is unknown.; In-frame deletion of 2 amino acid(s) and insertion of 2 different amino acid(s) with an unclear effect on protein function

NM_015046.7(SETX):c.4155_4156delinsGG (p.Asp1385_Ile1386delinsGluVal)

Gene: SETX (senataxin; minus strand). Cytogenetic location: 9q34.13.
Variant type: Indel.
Coding change: c.4155_4156delinsGG on transcript NM_015046.7 (MANE Select); coding-DNA positions 4155 to 4156, CA replaced by GG.
Protein change: p.Asp1385_Ile1386delinsGluVal.
Molecular consequence: missense variant.
Genome position (GRCh38, 1-based): chr9:132,327,442-132,327,443, TG replaced by CC on the plus strand (CA replaced by GG on the coding strand, the reverse complement: SETX is on the minus strand). VCF-style: chr9-132327442-TG-CC. GRCh37 (hg19) VCF-style: chr9-135202829-TG-CC.
Other names: c.4155_4156delinsGG, p.Asp1385_Ile1386delinsGluVal (NM_001351527.2, NM_001351528.2); c.4155_4156delCAinsGG, p.Asp1385_Ile1386delinsGluVal (NM_015046.5).
Identifiers: ClinVar variation 5008696 (VCV005008696.1).